The following is an entry in ClinVar:

NM_000548.5(TSC2):c.1716+3G>A

Gene: TSC2 (TSC complex subunit 2; plus strand). Cytogenetic location: 16p13.3.
Variant type: single nucleotide variant.
Coding change: c.1716+3G>A on transcript NM_000548.5 (MANE Select); 3 bases into the intron after coding-DNA position 1716, G replaced by A.
Molecular consequence: intron variant.
Genome position (GRCh38, 1-based): chr16:2,065,638, G>A. VCF-style: chr16-2065638-G-A. GRCh37 (hg19) VCF-style: chr16-2115639-G-A.
Other names: c.1716+3G>A (NM_000548.3, NM_001114382.3, NM_021055.3 and 4 more transcripts); c.1605+3G>A (NM_001318827.2); c.1116+3G>A (NM_001318831.2); c.1569+3G>A (NM_001318829.2); c.1749+3G>A (NM_001318832.2).
Identifiers: ClinVar variation 1399308 (VCV001399308.8), dbSNP rs1596317691, ClinGen allele CA2573151675.
Genomic context (GRCh38, chr16:2,065,638, plus strand): 5'-CTCGGCCTCCTTGGAGGATGTGAAGACAGCCGTCCTGGGGCTTCTGGTCATCCTTCAGGT[G>A]GGTGTTCTGCACGAGGCCTCTGCTCCCGGGGCGCGCATGGCTAGCGTCCACCAGCTGCAT-3'

ClinVar aggregate classification (germline): Uncertain significance. Review status: criteria provided, multiple submitters, no conflicts (2 of 4 stars). 3 submissions from 3 submitters: Uncertain significance (3). Last evaluated 2025-07-28.

Conditions:
Hereditary cancer-predisposing syndrome. Also called: Neoplastic Syndromes, Hereditary; Hereditary neoplastic syndrome; Hereditary Cancer Syndrome; Tumor predisposition. Identifiers: Orphanet 140162, MedGen C0027672, MeSH D009386, MONDO:0015356.
Tuberous sclerosis 2 (TSC2). Identifiers: Orphanet 805, MedGen C1860707, MONDO:0013199, OMIM 613254.
Tuberous sclerosis syndrome (TSC). Also called: Tuberous Sclerosis Complex; Tuberous sclerosis. Identifiers: Orphanet 805, MedGen C0041341, MONDO:0001734.

Submissions (3):

Color Diagnostics, LLC DBA Color Health
Classification: Uncertain significance for Tuberous sclerosis syndrome. Last evaluated: 2025-07-28. Review status: criteria provided, single submitter. Criteria: ACMG Guidelines, 2015. Collection method: clinical testing. Allele origin: germline.
Comment: This variant causes a G to A nucleotide substitution at the +3 position of intron 16/41 of the TSC2 gene. To our knowledge, functional studies have not been reported for this variant. This variant has not been reported in individuals affected with TSC2-related disorders in the literature. This variant has not been identified in the general population by the Genome Aggregation Database (gnomAD). The available evidence is insufficient to determine the role of this variant in disease conclusively. Therefore, this variant is classified as a Variant of Uncertain Significance.

Ambry Genetics
Classification: Uncertain significance for Hereditary cancer-predisposing syndrome. Last evaluated: 2025-05-13. Review status: criteria provided, single submitter. Criteria: Ambry Variant Classification Scheme 2023. Collection method: clinical testing. Allele origin: germline.
Comment: The c.1716+3G>A intronic variant results from a G to A substitution 3 nucleotides after coding exon 15 in the TSC2 gene. This nucleotide position is not well conserved in available vertebrate species. In silico splice site analysis predicts that this alteration will not have any significant effect on splicing. Based on the available evidence, the clinical significance of this variant remains unclear.

Labcorp Genetics (formerly Invitae), Labcorp
Classification: Uncertain significance for Tuberous sclerosis 2. Last evaluated: 2024-11-18. Review status: criteria provided, single submitter. Criteria: Invitae Variant Classification Sherloc (09022015). Collection method: clinical testing. Allele origin: germline.
Comment: This sequence change falls in intron 16 of the TSC2 gene. It does not directly change the encoded amino acid sequence of the TSC2 protein. It affects a nucleotide within the consensus splice site. This variant is not present in population databases (gnomAD no frequency). This variant has not been reported in the literature in individuals affected with TSC2-related conditions. ClinVar contains an entry for this variant (Variation ID: 1399308). Variants that disrupt the consensus splice site are a relatively common cause of aberrant splicing (PMID: 17576681, 9536098). Algorithms developed to predict the effect of sequence changes on RNA splicing suggest that this variant is not likely to affect RNA splicing. In summary, the available evidence is currently insufficient to determine the role of this variant in disease. Therefore, it has been classified as a Variant of Uncertain Significance.

Literature cited by the submitters: PubMed 17576681 (cited by Labcorp Genetics (formerly Invitae), Labcorp); PubMed 9536098 (cited by Labcorp Genetics (formerly Invitae), Labcorp).